The following is an entry in ClinVar:

ClinVar aggregate classification (germline): Uncertain significance (1 of 4 stars; one submission).

Allele frequency attached by ClinVar (database versions not stated): gnomAD exomes below 0.00001; ExAC 0.00001.
gnomAD v4.1: 6 of 1,211,062 alleles (0.0005%); highest among the groups gnomAD compares: South Asian, 0.0035%; no homozygotes.

Submission:

GeneDx
Classification: Uncertain significance. Last evaluated: 2022-07-28. Review status: criteria provided, single submitter. Criteria: GeneDx Variant Classification Process June 2021. Collection method: clinical testing. Allele origin: germline. Affected: yes.
Comment: Not observed at significant frequency in large population cohorts (gnomAD); In silico analysis supports that this missense variant has a deleterious effect on protein structure/function; Has not been previously published as pathogenic or benign to our knowledge

NM_001830.4(CLCN4):c.2083C>T (p.Arg695Cys)

Gene: CLCN4 (chloride voltage-gated channel 4; plus strand). Cytogenetic location: Xp22.2.
Variant type: single nucleotide variant.
Coding change: c.2083C>T on transcript NM_001830.4 (MANE Select); coding-DNA position 2083, C replaced by T.
Protein change: p.Arg695Cys; replaces arginine 695 with cysteine.
Molecular consequence: missense variant.
Genome position (GRCh38, 1-based): chrX:10,220,768, C>T. VCF-style: chrX-10220768-C-T. GRCh37 (hg19) VCF-style: chrX-10188808-C-T.
Other names: c.1801C>T, p.Arg601Cys (NM_001256944.2); short protein forms R601C, R695C.
Identifiers: ClinVar variation 2412909 (VCV002412909.3), dbSNP rs752295778, ClinGen allele CA10347340.
Genomic context (GRCh38, chrX:10,220,768, plus strand): 5'-TACTTCACGGAGGAACCCCCCGAGCTGCCGGCCAACAGCCCACATCCCCTGAAGCTGCGG[C>T]GCATCCTGAACCTCAGCCCGTTTACAGTGACAGACCACACTCCGATGGAAACGGTGGTGG-3'
Protein context (NP_001821.2, residues 685-705): ANSPHPLKLR[Arg695Cys]ILNLSPFTVT